The following is an entry in ClinVar:

NM_004444.5(EPHB4):c.221G>C (p.Arg74Pro)

Gene: EPHB4 (EPH receptor B4; minus strand). Cytogenetic location: 7q22.1.
Variant type: single nucleotide variant.
Coding change: c.221G>C on transcript NM_004444.5 (MANE Select); coding-DNA position 221, G replaced by C.
Protein change: p.Arg74Pro; replaces arginine 74 with proline.
Molecular consequence: missense variant.
Genome position (GRCh38, 1-based): chr7:100,823,834, C>G on the plus strand (G>C on the coding strand, the complement: EPHB4 is on the minus strand). VCF-style: chr7-100823834-C-G. GRCh37 (hg19) VCF-style: chr7-100421456-C-G.
Other names: short protein forms R74P.
Identifiers: ClinVar variation 691548 (VCV000691548.1), dbSNP rs61735971, ClinGen allele CA368584405.

ClinVar aggregate classification (germline): Uncertain significance (1 of 4 stars; one submission).

Conditions:
Capillary malformation-arteriovenous malformation 2 (CMAVM2). Identifiers: Orphanet 693912, MedGen C4748670, MONDO:0020785, OMIM 618196.

gnomAD v4.1: 1 of 1,613,146 alleles (0.000062%); highest among the groups gnomAD compares: Non-Finnish European, 0.000085%; no homozygotes.

Submission:

SIB Swiss Institute of Bioinformatics
Classification: Uncertain significance for Capillary malformation-arteriovenous malformation 2. Last evaluated: 2019-03-29. Review status: criteria provided, single submitter. Criteria: ACMG Guidelines, 2015. Collection method: curation. Allele origin: unknown.
Comment: This variant is interpreted as Uncertain significance for Capillary malformation-arteriovenous malformation 2. The following ACMG Tag(s) were applied: PP3: Multiple lines of computational evidence support a deleterious effect on the gene or gene product. PM2-downgraded to supporting: Absent from controls (or at extremely low frequency if recessive) in Exome Sequencing Project, 1000 Genomes Project, or Exome Aggregation Consortium.

Literature cited by the submitters: PubMed 28687708.